The following is an entry in ClinVar:

NM_003413.4(ZIC3):c.49G>T (p.Gly17Cys)

Gene: ZIC3 (Zic family zinc finger 3; plus strand). Cytogenetic location: Xq26.3.
Variant type: single nucleotide variant.
Coding change: c.49G>T on transcript NM_003413.4 (MANE Select); coding-DNA position 49, G replaced by T.
Protein change: p.Gly17Cys; replaces glycine 17 with cysteine.
Molecular consequence: missense variant.
Genome position (GRCh38, 1-based): chrX:137,566,740, G>T. VCF-style: chrX-137566740-G-T. GRCh37 (hg19) VCF-style: chrX-136648899-G-T.
Other names: c.49G>T, p.Gly17Cys (NM_001330661.1); short protein forms G17C.
Identifiers: ClinVar variation 190129 (VCV000190129.50), dbSNP rs147232392, ClinGen allele CA212542.

ClinVar aggregate classification (germline): Benign/Likely benign. Review status: criteria provided, multiple submitters, no conflicts (2 of 4 stars). 13 submissions from 13 submitters: Benign (3); Likely benign (6). 4 of the submissions do not count toward it. Last evaluated 2026-02-01.

Conditions:
VACTERL association, X-linked, with or without hydrocephalus (VACTERLX). Also called: VACTERL Association with Hydrocephalus, X-linked; X-linked VACTERL-H syndrome; VACTERL ASSOCIATION, X-LINKED; VACTERL-H, X-LINKED. Identifiers: Orphanet 3412, MedGen C2931228, MONDO:0010752, OMIM 314390.
Heterotaxy, visceral, 1, X-linked (HTX1). Also called: SITUS INVERSUS, COMPLEX CARDIAC DEFECTS, AND SPLENIC DEFECTS, X-LINKED; DEXTROCARDIA WITH OTHER CARDIAC MALFORMATIONS; Laterality, X-linked; Visceral heterotaxia. Identifiers: Orphanet 450, MedGen C1844020, MONDO:0010607, OMIM 306955.

Allele frequency attached by ClinVar (database versions not stated): 1000 Genomes Project 30x 0.00062; 1000 Genomes Project 0.00079; TOPMed 0.00164; gnomAD 0.00199 and 0.00206; gnomAD exomes 0.00259 and 0.00310; ESP Exome Variant Server 0.00295; ExAC 0.00507.

Submissions (13):

CeGaT Center for Human Genetics Tuebingen
Classification: Likely benign. Last evaluated: 2026-02-01. Review status: criteria provided, single submitter. Criteria: CeGaT Center For Human Genetics Tuebingen Variant Classification Criteria Version 2. Collection method: clinical testing. Allele origin: germline. Affected: yes. Observed: 12 variant alleles.
Comment: ZIC3: BS2

Labcorp Genetics (formerly Invitae), Labcorp
Classification: Benign for Heterotaxy, visceral, 1, X-linked. Last evaluated: 2025-12-23. Review status: criteria provided, single submitter. Criteria: Invitae Variant Classification Sherloc (09022015). Collection method: clinical testing. Allele origin: germline.

Blueprint Genetics
Classification: Likely benign. Last evaluated: 2024-11-20. Review status: criteria provided, single submitter. Criteria: ACMG Guidelines, 2015. Collection method: clinical testing. Allele origin: germline.

Victorian Clinical Genetics Services, Murdoch Childrens Research Institute
Classification: Likely benign for Heterotaxy, visceral, 1, X-linked. Last evaluated: 2022-02-02. Review status: criteria provided, single submitter. Criteria: ACMG Guidelines, 2015. Collection method: clinical testing. Allele origin: germline. Inheritance: X-linked recessive inheritance.
Comment: Based on the classification scheme VCGS_Germline_v1.3.4, this variant is classified as likely benign. Following criteria are met: 0308 - Population frequency for this variant is out of keeping with known incidence of X-linked recessive Congenital heart defects, nonsyndromic, 1 (MIM#306955). (SB) Legend: (SP) - Supporting pathogenic, (I) - Information, (SB) - Supporting benign

Institute of Human Genetics, University of Leipzig Medical Center
Classification: Benign for Heterotaxy, visceral, 1, X-linked. Last evaluated: 2019-01-01. Review status: criteria provided, single submitter. Criteria: ACMG Guidelines, 2015. Collection method: clinical testing. Allele origin: unknown. Affected: no.

Illumina Laboratory Services, Illumina
Classification: Likely benign for VACTERL association, X-linked, with or without hydrocephalus. Last evaluated: 2017-04-28. Review status: criteria provided, single submitter. Criteria: ICSL Variant Classification Criteria 13 December 2019. Collection method: clinical testing. Allele origin: germline.
Comment: This variant was observed as part of a predisposition screen in an ostensibly healthy population. A literature search was performed for the gene, cDNA change, and amino acid change (where applicable). Publications were found based on this search. The evidence from the literature, in combination with allele frequency data from public databases where available, was sufficient to determine this variant is unlikely to cause disease. Therefore, this variant is classified as likely benign.

Laboratory for Molecular Medicine, Mass General Brigham Personalized Medicine
Classification: Likely benign. Last evaluated: 2016-06-02. Review status: criteria provided, single submitter. Criteria: LMM Criteria. Collection method: clinical testing. Allele origin: germline.
Comment: Variant identified in a genome or exome case(s) and assessed due to predicted null impact of the variant or pathogenic assertions in the literature or databases. Disclaimer: This variant has not undergone full assessment. The following are preliminary notes: 1% frequency and 26 hemizygotes in the European population in ExAC

GeneDx
Classification: Likely benign. Last evaluated: 2015-03-03. Review status: criteria provided, single submitter. Criteria: GeneDx Variant Classification Process June 2021. Collection method: clinical testing. Allele origin: germline. Affected: yes.
Comment: This variant is associated with the following publications: (PMID: 26294094, 19933292, 24123890, 23427188)

PreventionGenetics, part of Exact Sciences
Classification: Benign. Review status: criteria provided, single submitter. Criteria: ACMG Guidelines, 2015. Collection method: clinical testing. Allele origin: germline.

Clinical Genetics DNA and cytogenetics Diagnostics Lab, Erasmus MC, Erasmus Medical Center
Classification: Likely benign. Review status: no assertion criteria provided. Collection method: clinical testing. Allele origin: germline. Affected: yes. Study: VKGL Data-share Consensus. Not counted in ClinVar's aggregate classification.

Genome Diagnostics Laboratory, University Medical Center Utrecht
Classification: Likely benign. Review status: no assertion criteria provided. Collection method: clinical testing. Allele origin: germline. Affected: yes. Study: VKGL Data-share Consensus. Not counted in ClinVar's aggregate classification.

Laboratory of Diagnostic Genome Analysis, Leiden University Medical Center (LUMC)
Classification: Likely benign. Review status: no assertion criteria provided. Collection method: clinical testing. Allele origin: germline. Affected: yes. Study: VKGL Data-share Consensus. Not counted in ClinVar's aggregate classification.

Reutter Lab, Institute of Human Genetics, University Hospital Bonn
Classification: Pathogenic for VACTERL association, X-linked, with or without hydrocephalus. Last evaluated: 2015-01-01. Review status: flagged submission. Criteria: Submitter's publication. Collection method: research. Allele origin: maternal. Affected: yes. Observed: 4 variant alleles. Study: Systematic search for genes to be involved in the VACTER/VACTERL association. Not counted in ClinVar's aggregate classification.
Comment: molecular genetic
ClinVar note: Reason: Outlier claim with insufficient supporting evidence

Literature cited by the submitters: PubMed 26294094 (cited by Illumina Laboratory Services, Illumina); PubMed 2629409 (cited by Reutter Lab, Institute of Human Genetics, University Hospital Bonn).